The following is an entry in ClinVar:

NM_001009944.3(PKD1):c.8291T>A (p.Met2764Lys)

Gene: PKD1 (polycystin 1, transient receptor potential channel interacting; minus strand). Cytogenetic location: 16p13.3.
Variant type: single nucleotide variant.
Coding change: c.8291T>A on transcript NM_001009944.3 (MANE Select); coding-DNA position 8291, T replaced by A.
Protein change: p.Met2764Lys; replaces methionine 2764 with lysine.
Molecular consequence: missense variant.
Genome position (GRCh38, 1-based): chr16:2,103,766, A>T on the plus strand (T>A on the coding strand, the complement: PKD1 is on the minus strand). VCF-style: chr16-2103766-A-T. GRCh37 (hg19) VCF-style: chr16-2153767-A-T.
Other names: c.8291T>A, p.Met2764Lys (NM_000296.4); short protein forms M2764K.
Identifiers: ClinVar variation 2628942 (VCV002628942.2), dbSNP rs1596527405, ClinGen allele CA394364786.

ClinVar aggregate classification (germline): Uncertain significance. Review status: criteria provided, multiple submitters, no conflicts (2 of 4 stars). 2 submissions from 2 submitters: Uncertain significance (2). Last evaluated 2023-03-10.

Conditions:
PKD1-related disorder. Also called: PKD1-related condition.

Submissions (2):

PreventionGenetics, part of Exact Sciences
Classification: Uncertain significance for PKD1-related condition. Last evaluated: 2023-03-10. Review status: criteria provided, single submitter. Criteria: ACMG Guidelines, 2015. Collection method: clinical testing. Allele origin: germline.
Comment: The PKD1 c.8291T>A variant is predicted to result in the amino acid substitution p.Met2764Lys. This variant has been reported in an individual with ADPKD (Table S2 - Heyer et al. 2016. PubMed ID: 26823553). This variant has not been reported in a large population database, indicating this variant is rare. At this time, the clinical significance of this variant is uncertain due to the absence of conclusive functional and genetic evidence.

Blueprint Genetics
Classification: Uncertain significance. Last evaluated: 2019-05-02. Review status: criteria provided, single submitter. Criteria: ACMG Guidelines, 2015. Collection method: clinical testing. Allele origin: germline.